The following is an entry in ClinVar:

NM_000136.3(FANCC):c.1534A>T (p.Met512Leu)

Genes: AOPEP (aminopeptidase O (putative); plus strand), FANCC (FA complementation group C; minus strand). Cytogenetic location: 9q22.32.
Variant type: single nucleotide variant.
Coding change: c.1534A>T on transcript NM_000136.3 (MANE Select); coding-DNA position 1534, A replaced by T.
Protein change: p.Met512Leu; replaces methionine 512 with leucine.
Molecular consequence: missense variant.
Genome position (GRCh38, 1-based): chr9:95,101,850, T>A on the plus strand (A>T on the coding strand, the complement: FANCC is on the minus strand). VCF-style: chr9-95101850-T-A. GRCh37 (hg19) VCF-style: chr9-97864132-T-A.
Other names: c.1534A>T, p.Met512Leu (NM_001243743.2); short protein forms M512L.
Identifiers: ClinVar variation 3277641 (VCV003277641.1).

ClinVar aggregate classification (germline): Uncertain significance (1 of 4 stars; one submission).

Conditions:
Hereditary cancer-predisposing syndrome. Also called: Tumor predisposition; Hereditary Cancer Syndrome; Hereditary neoplastic syndrome; Neoplastic Syndromes, Hereditary. Identifiers: Orphanet 140162, MedGen C0027672, MeSH D009386, MONDO:0015356.

Submission:

Ambry Genetics
Classification: Uncertain significance for Hereditary cancer-predisposing syndrome. Last evaluated: 2024-05-17. Review status: criteria provided, single submitter. Criteria: Ambry Variant Classification Scheme 2023. Collection method: clinical testing. Allele origin: germline.
Comment: The p.M512L variant (also known as c.1534A>T) is located in coding exon 14 of the FANCC gene. The methionine at codon 512 is replaced by leucine, an amino acid with highly similar properties. This change occurs in the first base pair of coding exon 14. This amino acid position is conserved. In addition, this alteration is predicted to be tolerated by in silico analysis. Based on the available evidence, the clinical significance of this variant remains unclear.